The following is an entry in ClinVar:

ClinVar aggregate classification (germline): Conflicting classifications of pathogenicity. Review status: criteria provided, conflicting classifications (1 of 4 stars). 12 submissions from 11 submitters: Uncertain significance (9); Likely benign (3). Last evaluated 2026-02-28.

Conditions:
MET-related disorder. Also called: MET-related condition.
Autosomal recessive nonsyndromic hearing loss 97. Also called: Deafness, autosomal recessive 97. Identifiers: Orphanet 90636, MedGen C4084709, MONDO:0014739, OMIM 616705.
Papillary renal cell carcinoma type 1 (RCCP1). Also called: Renal adenocarcinoma; Renal cell carcinoma 1; Renal cell carcinoma, somatic; RENAL CELL CARCINOMA, PAPILLARY, 1, SOMATIC. Identifiers: Orphanet 47044, MedGen C1336839, OMIM 605074, HP:0011797.
Osteofibrous dysplasia (OSFD). Also called: Tibia, bowing of, with pseudarthrosis and pectus excavatum. Identifiers: Orphanet 488265, MedGen C4085248, MONDO:0011806, OMIM 607278.
Arthrogryposis, distal, IIa 11. Also called: Arthrogryposis, distal, type 11. Identifiers: MedGen C5774205, MONDO:0031045, OMIM 620019.
Hepatocellular carcinoma (HCC). Also called: Primary carcinoma of liver; HEPATOMA; LIVER CELL CARCINOMA. Identifiers: Orphanet 88673, MedGen C2239176, MONDO:0007256, OMIM 114550, HP:0001402.
Renal cell carcinoma. Identifiers: Orphanet 217071, MedGen C0007134, MeSH D002292, MONDO:0005086, HP:0005584.
Hereditary cancer-predisposing syndrome. Also called: Neoplastic Syndromes, Hereditary; Tumor predisposition; Hereditary neoplastic syndrome; Hereditary Cancer Syndrome. Identifiers: Orphanet 140162, MedGen C0027672, MeSH D009386, MONDO:0015356.

Allele frequency attached by ClinVar (database versions not stated): gnomAD exomes 0.00006 and 0.00015; ExAC 0.00007; gnomAD 0.00007 and 0.00008; ESP Exome Variant Server 0.00008; TOPMed 0.00010.
gnomAD v4.1: 232 of 1,612,942 alleles (0.014%); highest among the groups gnomAD compares: Non-Finnish European, 0.019%; 1 homozygote.

Submissions (12):

PreventionGenetics, part of Exact Sciences
Classification: Uncertain significance for MET-related condition. Last evaluated: 2026-02-28. Review status: criteria provided, single submitter. Criteria: ACMG Guidelines, 2015. Collection method: clinical testing. Allele origin: germline.
Comment: The MET c.1669A>G variant is predicted to result in the amino acid substitution p.Thr557Ala. This variant has been reported in an individual with papillary renal cell carcinoma (Sebai et al. 2022. PubMed ID: 34882875). This variant is reported in 0.012% of alleles in individuals of European (Non-Finnish) descent in gnomAD and has conflicting interpretations in ClinVar, ranging from uncertain to likely benign (Variation ID: 184358). While this variant may be benign, at this time, the clinical significance of this variant is uncertain due to the absence of conclusive functional and genetic evidence.

Labcorp Genetics (formerly Invitae), Labcorp
Classification: Uncertain significance for Renal cell carcinoma. Last evaluated: 2026-01-21. Review status: criteria provided, single submitter. Criteria: Invitae Variant Classification Sherloc (09022015). Collection method: clinical testing. Allele origin: germline.
Comment: This sequence change replaces threonine, which is neutral and polar, with alanine, which is neutral and non-polar, at codon 557 of the MET protein (p.Thr557Ala). This variant is present in population databases (rs374733251, gnomAD 0.01%). This variant has not been reported in the literature in individuals affected with MET-related conditions. ClinVar contains an entry for this variant (Variation ID: 184358). Invitae Evidence Modeling of protein sequence and biophysical properties (such as structural, functional, and spatial information, amino acid conservation, physicochemical variation, residue mobility, and thermodynamic stability) indicates that this missense variant is not expected to disrupt MET protein function with a negative predictive value of 80%. In summary, the available evidence is currently insufficient to determine the role of this variant in disease. Therefore, it has been classified as a Variant of Uncertain Significance.

Quest Diagnostics Nichols Institute San Juan Capistrano
Classification: Uncertain significance. Last evaluated: 2025-05-26. Review status: criteria provided, single submitter. Criteria: Quest Diagnostics criteria. Collection method: clinical testing. Allele origin: unknown.

Myriad Genetics, Inc.
Classification: Likely benign for Papillary renal cell carcinoma type 1. Last evaluated: 2024-11-07. Review status: criteria provided, single submitter. Criteria: Myriad Autosomal Dominant, Autosomal Recessive and X-Linked Classification Criteria (2023). Collection method: clinical testing. Allele origin: unknown.
Comment: This variant is considered likely benign. This variant has been observed at a population frequency that is significantly greater than expected given the associated disease prevalence and penetrance.

Mayo Clinic Laboratories, Mayo Clinic
Classification: Uncertain significance. Last evaluated: 2024-08-20. Review status: criteria provided, single submitter. Criteria: ACMG Guidelines, 2015. Collection method: clinical testing. Allele origin: germline. Observed: 2 variant alleles.
Comment: BP4

Fulgent Genetics
Classification: Uncertain significance for Hepatocellular carcinoma; Papillary renal cell carcinoma type 1; Osteofibrous dysplasia; Autosomal recessive nonsyndromic hearing loss 97; Arthrogryposis, distal, IIa 11. Last evaluated: 2024-03-18. Review status: criteria provided, single submitter. Criteria: ACMG Guidelines, 2015. Collection method: clinical testing. Allele origin: germline.

Baylor Genetics
Classification: Uncertain significance for Autosomal recessive nonsyndromic hearing loss 97. Last evaluated: 2023-10-04. Review status: criteria provided, single submitter. Criteria: ACMG Guidelines, 2015. Collection method: clinical testing. Allele origin: unknown.

Sema4
Classification: Uncertain significance for Hereditary cancer-predisposing syndrome. Last evaluated: 2021-07-17. Review status: criteria provided, single submitter. Criteria: Sema4 Curation Guidelines. Collection method: curation. Allele origin: germline.
Comment: To the best of our knowledge, the MET c.1669A>G (p.T557A) has not been reported in individuals with MET-related disease. It was observed in 16/128510 chromosomes, with no homozygotes, in the Non-Finnish European subpopulation in the Genome Aggregation Database (PMID: 32461654). The variant has been reported in ClinVar (Variation ID: 184358). Functional studies have not been performed and in silico predictions of the variant's effect on protein function are inconclusive. The evidence is insufficient to meet ACMG/AMP criteria for classifying the variant as benign or pathogenic. Thus, the clinical significance of this variant is currently uncertain.

ARUP Laboratories, Molecular Genetics and Genomics, ARUP Laboratories
Classification: Uncertain significance. Last evaluated: 2020-07-01. Review status: criteria provided, single submitter. Criteria: ARUP Molecular Germline Variant Investigation Process. Collection method: clinical testing. Allele origin: germline.
Comment: The MET c.1669A>G, p.Thr557Ala variant (rs374733251), to our knowledge, is not reported in the medical literature but is reported in ClinVar (Variation ID: 184358). This variant is found in the general population with an overall allele frequency of 0.0064 % (18 / 280,530 alleles) in the Genome Aggregation Database. The threonine at codon 557 is moderately conserved, and computational analyses (SIFT: Tolerated PolyPhen-2: Possibly damaging) predict conflicting effects of this variant on protein structure/function. Due to limited information, the clinical significance of the p.Thr557Ala variant is uncertain at this time.

Ambry Genetics
Classification: Likely benign for Hereditary cancer-predisposing syndrome. Last evaluated: 2019-12-09. Review status: criteria provided, single submitter. Criteria: Ambry Variant Classification Scheme 2023. Collection method: clinical testing. Allele origin: germline.

Fulgent Genetics
Classification: Uncertain significance for Hepatocellular carcinoma; Papillary renal cell carcinoma type 1; Osteofibrous dysplasia; Autosomal recessive nonsyndromic hearing loss 97. Last evaluated: 2018-10-31. Review status: criteria provided, single submitter. Criteria: ACMG Guidelines, 2015. Collection method: clinical testing. Allele origin: unknown.

Illumina Laboratory Services, Illumina
Classification: Likely benign for Papillary renal cell carcinoma type 1. Last evaluated: 2018-01-13. Review status: criteria provided, single submitter. Criteria: ICSL Variant Classification Criteria 13 December 2019. Collection method: clinical testing. Allele origin: germline.
Comment: This variant was observed in the ICSL laboratory as part of a predisposition screen in an ostensibly healthy population. It had not been previously curated by ICSL or reported in the Human Gene Mutation Database (HGMD: prior to June 1st, 2018), and was therefore a candidate for classification through an automated scoring system. Utilizing variant allele frequency, disease prevalence and penetrance estimates, and inheritance mode, an automated score was calculated to assess if this variant is too frequent to cause the disease. Based on the score and internal cut-off values, a variant classified as likely benign is not then subjected to further curation. The score for this variant resulted in a classification of likely benign for this disease.

NM_000245.4(MET):c.1669A>G (p.Thr557Ala)

Gene: MET (MET proto-oncogene, receptor tyrosine kinase; plus strand). Cytogenetic location: 7q31.2.
Variant type: single nucleotide variant.
Coding change: c.1669A>G on transcript NM_000245.4 (MANE Select); coding-DNA position 1669, A replaced by G.
Protein change: p.Thr557Ala; replaces threonine 557 with alanine.
Molecular consequence: missense variant.
Genome position (GRCh38, 1-based): chr7:116,740,993, A>G. VCF-style: chr7-116740993-A-G. GRCh37 (hg19) VCF-style: chr7-116381047-A-G.
Other names: p.Thr557Ala; c.1669A>G, p.Thr557Ala (NM_001127500.3, NM_001324401.3); c.379A>G, p.Thr127Ala (NM_001324402.2); c.1669A>G (NM_001127500.2); short protein forms T557A, T127A.
Identifiers: ClinVar variation 184358 (VCV000184358.33), dbSNP rs374733251, ClinGen allele CA188720.